The following is an entry in ClinVar:

ClinVar aggregate classification (germline): Uncertain significance (1 of 4 stars; one submission).

Conditions:
Hereditary antithrombin deficiency (AT3D). Also called: Reduced antithrombin III activity; Antithrombin deficiency; Antithrombin III deficiency; Thrombophilia due to antithrombin III deficiency. Identifiers: Orphanet 82, MedGen C0272375, MONDO:0013144, OMIM 613118, HP:0001976.

Allele frequency attached by ClinVar (database versions not stated): TOPMed below 0.00001.

Submission:

Labcorp Genetics (formerly Invitae), Labcorp
Classification: Uncertain significance for Hereditary antithrombin deficiency. Last evaluated: 2023-02-09. Review status: criteria provided, single submitter. Criteria: Invitae Variant Classification Sherloc (09022015). Collection method: clinical testing. Allele origin: germline.
Comment: In summary, the available evidence is currently insufficient to determine the role of this variant in disease. Therefore, it has been classified as a Variant of Uncertain Significance. Algorithms developed to predict the effect of missense changes on protein structure and function (SIFT, PolyPhen-2, Align-GVGD) all suggest that this variant is likely to be disruptive. This variant is also known as I219T. This missense change has been observed in individuals with clinical features of antithrombin III deficiency (PMID: 10997988, 28300866). This variant is not present in population databases (gnomAD no frequency). This sequence change replaces isoleucine, which is neutral and non-polar, with threonine, which is neutral and polar, at codon 251 of the SERPINC1 protein (p.Ile251Thr).

Literature cited by the submitters: PubMed 10997988; PubMed 28300866.

NM_000488.4(SERPINC1):c.752T>C (p.Ile251Thr)

Gene: SERPINC1 (serpin family C member 1; minus strand). Cytogenetic location: 1q25.1.
Variant type: single nucleotide variant.
Coding change: c.752T>C on transcript NM_000488.4 (MANE Select); coding-DNA position 752, T replaced by C.
Protein change: p.Ile251Thr; replaces isoleucine 251 with threonine.
Molecular consequence: missense variant. On other transcripts: intron variant (1).
Genome position (GRCh38, 1-based): chr1:173,910,764, A>G on the plus strand (T>C on the coding strand, the complement: SERPINC1 is on the minus strand). VCF-style: chr1-173910764-A-G. GRCh37 (hg19) VCF-style: chr1-173879902-A-G.
Other names: c.608T>C, p.Ile203Thr (NM_001365052.2); c.752T>C, p.Ile251Thr (NM_001386302.1, NM_001386305.1); c.833T>C, p.Ile278Thr (NM_001386303.1); c.536T>C, p.Ile179Thr (NM_001386306.1); c.741+11T>C (NM_001386304.1); short protein forms I179T, I203T, I251T, I278T.
Identifiers: ClinVar variation 2734041 (VCV002734041.3), dbSNP rs1423630663, ClinGen allele CA343775292.